The following is an entry in ClinVar:

ClinVar aggregate classification (germline): Uncertain significance (1 of 4 stars; one submission).

Submission:

Labcorp Genetics (formerly Invitae), Labcorp
Classification: Uncertain significance. Last evaluated: 2025-09-16. Review status: criteria provided, single submitter. Criteria: Invitae Variant Classification Sherloc (09022015). Collection method: clinical testing. Allele origin: germline.
Comment: This variant, c.378_380del, results in the deletion of 1 amino acid(s) of the ABCB6 protein (p.Val127del), but otherwise preserves the integrity of the reading frame. This variant is present in population databases (rs768614048, gnomAD 0.03%). This variant has not been reported in the literature in individuals affected with ABCB6-related conditions. Experimental studies and prediction algorithms are not available or were not evaluated, and the functional significance of this variant is currently unknown. In summary, the available evidence is currently insufficient to determine the role of this variant in disease. Therefore, it has been classified as a Variant of Uncertain Significance.

NM_005689.4(ABCB6):c.378_380del (p.Val127del)

Gene: ABCB6 (ATP binding cassette subfamily B member 6 (LAN blood group); minus strand). Cytogenetic location: 2q35.
Variant type: Deletion.
Coding change: c.378_380del on transcript NM_005689.4 (MANE Select); coding-DNA positions 378 to 380, 3 bases deleted (CGT; older notation c.378_380delCGT).
Protein change: p.Val127del; deletes valine 127.
Genome position (GRCh38, 1-based): chr2:219,218,294-219,218,296, ACG deleted on the plus strand (CGT on the coding strand, the reverse complement: ABCB6 is on the minus strand); deleting any 3 consecutive bases within chr2:219,218,294-219,218,298 gives the same sequence; the c. name uses the placement nearest the transcript's 3' end. VCF-style (leftmost placement, unchanged base first): chr2-219218293-CACG-C. GRCh37 (hg19) VCF-style: chr2-220083015-CACG-C.
Other names: c.378_380del, p.Val127del (NM_001349828.2); short protein forms V127del.
Identifiers: ClinVar variation 4798845 (VCV004798845.1).